The following is an entry in ClinVar:

NM_005401.5(PTPN14):c.1059C>T (p.Thr353=)

Gene: PTPN14 (protein tyrosine phosphatase non-receptor type 14; minus strand). Cytogenetic location: 1q32.3.
Variant type: single nucleotide variant.
Coding change: c.1059C>T on transcript NM_005401.5 (MANE Select); coding-DNA position 1059, C replaced by T.
Protein change: p.Thr353=; no amino-acid change (threonine 353 retained).
Molecular consequence: synonymous variant.
Genome position (GRCh38, 1-based): chr1:214,386,851, G>A on the plus strand (C>T on the coding strand, the complement: PTPN14 is on the minus strand). VCF-style: chr1-214386851-G-A. GRCh37 (hg19) VCF-style: chr1-214560194-G-A.
Identifiers: ClinVar variation 722335 (VCV000722335.27), dbSNP rs116652390, ClinGen allele CA1389194.

ClinVar aggregate classification (germline): Benign/Likely benign. Review status: criteria provided, multiple submitters, no conflicts (2 of 4 stars). 4 submissions from 4 submitters: Benign (2); Likely benign (1). 1 of the submissions does not count toward it. Last evaluated 2024-02-01.

Conditions:
PTPN14-related disorder. Also called: PTPN14-related condition.

Allele frequency attached by ClinVar (database versions not stated): gnomAD exomes 0.00017 and 0.00054; ExAC 0.00089; 1000 Genomes Project 0.00140; gnomAD 0.00186 and 0.00203; 1000 Genomes Project 30x 0.00187; TOPMed 0.00224; ESP Exome Variant Server 0.00238.
gnomAD v4.1: 525 of 1,597,494 alleles (0.033%); highest among the groups gnomAD compares: African/African-American, 0.65%; 1 homozygote.

Submissions (4):

CeGaT Center for Human Genetics Tuebingen
Classification: Likely benign. Last evaluated: 2024-02-01. Review status: criteria provided, single submitter. Criteria: CeGaT Center For Human Genetics Tuebingen Variant Classification Criteria Version 2. Collection method: clinical testing. Allele origin: germline. Affected: yes. Observed: 1 variant allele.
Comment: PTPN14: BP4, BP7

Labcorp Genetics (formerly Invitae), Labcorp
Classification: Benign. Last evaluated: 2018-01-30. Review status: criteria provided, single submitter. Criteria: Invitae Variant Classification Sherloc (09022015). Collection method: clinical testing. Allele origin: germline.

Breakthrough Genomics
Classification: Benign. Review status: criteria provided, single submitter. Criteria: ACMG Guidelines, 2015. Collection method: not provided. Allele origin: germline. Inheritance: Autosomal recessive inheritance. Affected: yes.

PreventionGenetics, part of Exact Sciences
Classification: Benign for PTPN14-related condition. Last evaluated: 2020-01-06. Review status: no assertion criteria provided. Collection method: clinical testing. Allele origin: germline. Not counted in ClinVar's aggregate classification.
Comment: This variant is classified as benign based on ACMG/AMP sequence variant interpretation guidelines (Richards et al. 2015 PMID: 25741868, with internal and published modifications).